The following is an entry in ClinVar:

ClinVar aggregate classification (germline): Uncertain significance. Review status: criteria provided, multiple submitters, no conflicts (2 of 4 stars). 2 submissions from 2 submitters: Uncertain significance (2). Last evaluated 2024-04-15.

Conditions:
PMM2-congenital disorder of glycosylation. Also called: PHOSPHOMANNOMUTASE 2 DEFICIENCY; CARBOHYDRATE-DEFICIENT GLYCOPROTEIN SYNDROME, TYPE Ia; Congenital disorder of glycosylation, type Ia; PMM2-CDG; CDG Ia; JAEKEN SYNDROME. Identifiers: Orphanet 79318, MedGen C0349653, MONDO:0008907, OMIM 212065.

Allele frequency attached by ClinVar (database versions not stated): gnomAD exomes 0.00001.
gnomAD v4.1: 13 of 1,565,430 alleles (0.00083%); highest among the groups gnomAD compares: Admixed American, 0.0017%; no homozygotes.

Submissions (2):

Fulgent Genetics
Classification: Uncertain significance for PMM2-congenital disorder of glycosylation. Last evaluated: 2024-04-15. Review status: criteria provided, single submitter. Criteria: ACMG Guidelines, 2015. Collection method: clinical testing. Allele origin: germline.

Labcorp Genetics (formerly Invitae), Labcorp
Classification: Uncertain significance for PMM2-congenital disorder of glycosylation. Last evaluated: 2022-02-10. Review status: criteria provided, single submitter. Criteria: Invitae Variant Classification Sherloc (09022015). Collection method: clinical testing. Allele origin: germline.
Comment: This sequence change falls in intron 2 of the PMM2 gene. It does not directly change the encoded amino acid sequence of the PMM2 protein. It affects a nucleotide within the consensus splice site. This variant is present in population databases (no rsID available, gnomAD 0.0009%). This variant has not been reported in the literature in individuals affected with PMM2-related conditions. Variants that disrupt the consensus splice site are a relatively common cause of aberrant splicing (PMID: 17576681, 9536098). Algorithms developed to predict the effect of sequence changes on RNA splicing suggest that this variant may disrupt the consensus splice site. In summary, the available evidence is currently insufficient to determine the role of this variant in disease. Therefore, it has been classified as a Variant of Uncertain Significance.

Literature cited by the submitters: PubMed 17576681 (cited by Labcorp Genetics (formerly Invitae), Labcorp); PubMed 9536098 (cited by Labcorp Genetics (formerly Invitae), Labcorp).

NM_000303.3(PMM2):c.178+3A>G

Gene: PMM2 (phosphomannomutase 2; plus strand). Cytogenetic location: 16p13.2.
Variant type: single nucleotide variant.
Coding change: c.178+3A>G on transcript NM_000303.3 (MANE Select); 3 bases into the intron after coding-DNA position 178, A replaced by G.
Molecular consequence: intron variant.
Genome position (GRCh38, 1-based): chr16:8,801,913, A>G. VCF-style: chr16-8801913-A-G. GRCh37 (hg19) VCF-style: chr16-8895770-A-G.
Identifiers: ClinVar variation 2031810 (VCV002031810.2), dbSNP rs1163253393, ClinGen allele CA620727941.